The following is an entry in ClinVar:

ClinVar aggregate classification (germline): Uncertain significance. Review status: criteria provided, multiple submitters, no conflicts (2 of 4 stars). 2 submissions from 2 submitters: Uncertain significance (2). Last evaluated 2025-10-02.

Conditions:
Emery-Dreifuss muscular dystrophy (EDMD). Also called: Scapuloperoneal syndrome, X-linked (formerly); Humeroperoneal neuromuscular disease, (formerly). Identifiers: Orphanet 261, MedGen C0410189, MONDO:0016830.

Allele frequency attached by ClinVar (database versions not stated): TOPMed below 0.00001; gnomAD exomes 0.00001.
gnomAD v4.1: 6 of 1,612,436 alleles (0.00037%); highest among the groups gnomAD compares: South Asian, 0.0011%; no homozygotes.

Submissions (2):

Labcorp Genetics (formerly Invitae), Labcorp
Classification: Uncertain significance for Emery-Dreifuss muscular dystrophy. Last evaluated: 2025-10-02. Review status: criteria provided, single submitter. Criteria: Invitae Variant Classification Sherloc (09022015). Collection method: clinical testing. Allele origin: germline.
Comment: This sequence change replaces arginine, which is basic and polar, with tryptophan, which is neutral and slightly polar, at codon 279 of the SUN2 protein (p.Arg279Trp). This variant is present in population databases (no rsID available, gnomAD no frequency). This variant has not been reported in the literature in individuals affected with SUN2-related conditions. ClinVar contains an entry for this variant (Variation ID: 856206). An algorithm developed to predict the effect of missense changes on protein structure and function (PolyPhen-2) suggests that this variant is likely to be disruptive. In summary, the available evidence is currently insufficient to determine the role of this variant in disease. Therefore, it has been classified as a Variant of Uncertain Significance.

Blueprint Genetics
Classification: Uncertain significance. Last evaluated: 2023-09-21. Review status: criteria provided, single submitter. Criteria: ACMG Guidelines, 2015. Collection method: clinical testing. Allele origin: germline.

NM_015374.3(SUN2):c.835C>T (p.Arg279Trp)

Genes: GTPBP1 (GTP binding protein 1; plus strand), SUN2 (Sad1 and UNC84 domain containing 2; minus strand). Cytogenetic location: 22q13.1.
Variant type: single nucleotide variant.
Coding change: c.835C>T on transcript NM_015374.3 (MANE Select); coding-DNA position 835, C replaced by T.
Protein change: p.Arg279Trp; replaces arginine 279 with tryptophan.
Molecular consequence: missense variant.
Genome position (GRCh38, 1-based): chr22:38,742,534, G>A on the plus strand (C>T on the coding strand, the complement: SUN2 is on the minus strand). VCF-style: chr22-38742534-G-A. GRCh37 (hg19) VCF-style: chr22-39138539-G-A.
Other names: c.898C>T, p.Arg300Trp (NM_001199579.2); c.835C>T, p.Arg279Trp (NM_001199580.2); short protein forms R279W, R300W.
Identifiers: ClinVar variation 856206 (VCV000856206.8), dbSNP rs1187777425, ClinGen allele CA411585609.